The following is an entry in ClinVar:

ClinVar aggregate classification (germline): Likely benign. Review status: criteria provided, multiple submitters, no conflicts (2 of 4 stars). 2 submissions from 2 submitters: Likely benign (2). Last evaluated 2026-09-25.

Conditions:
CYP4V2-related disorder. Also called: CYP4V2-related condition; CYP4V2-related disorders.

Allele frequency attached by ClinVar (database versions not stated): gnomAD 0.00001; gnomAD exomes 0.00002 and 0.00003; TOPMed 0.00002.
gnomAD v4.1: 48 of 1,586,110 alleles (0.003%); highest among the groups gnomAD compares: Non-Finnish European, 0.0039%; no homozygotes.

Submissions (2):

PreventionGenetics, part of Exact Sciences
Classification: Likely benign for CYP4V2-related condition. Last evaluated: 2026-09-25. Review status: criteria provided, single submitter. Criteria: ACMG Guidelines, 2015. Collection method: clinical testing. Allele origin: germline.
Comment: This variant is classified as likely benign based on ACMG/AMP sequence variant interpretation guidelines (Richards et al. 2015 PMID: 25741868, with internal and published modifications).

Labcorp Genetics (formerly Invitae), Labcorp
Classification: Likely benign. Last evaluated: 2022-03-29. Review status: criteria provided, single submitter. Criteria: Invitae Variant Classification Sherloc (09022015). Collection method: clinical testing. Allele origin: germline.

NM_207352.4(CYP4V2):c.147C>G (p.Pro49=)

Gene: CYP4V2 (cytochrome P450 family 4 subfamily V member 2; plus strand). Cytogenetic location: 4q35.1.
Variant type: single nucleotide variant.
Coding change: c.147C>G on transcript NM_207352.4 (MANE Select); coding-DNA position 147, C replaced by G.
Protein change: p.Pro49=; no amino-acid change (proline 49 retained).
Molecular consequence: synonymous variant.
Genome position (GRCh38, 1-based): chr4:186,191,970, C>G. VCF-style: chr4-186191970-C-G. GRCh37 (hg19) VCF-style: chr4-187113124-C-G.
Other names: c.147C>G (NM_207352.3).
Identifiers: ClinVar variation 1093082 (VCV001093082.10), dbSNP rs769901483, ClinGen allele CA3162424.